The following is an entry in ClinVar:

NM_138801.3(GALM):c.889G>C (p.Val297Leu)

Gene: GALM (galactose mutarotase; plus strand). Cytogenetic location: 2p22.1.
Variant type: single nucleotide variant.
Coding change: c.889G>C on transcript NM_138801.3 (MANE Select); coding-DNA position 889, G replaced by C.
Protein change: p.Val297Leu; replaces valine 297 with leucine.
Molecular consequence: missense variant.
Genome position (GRCh38, 1-based): chr2:38,731,847, G>C. VCF-style: chr2-38731847-G-C. GRCh37 (hg19) VCF-style: chr2-38958989-G-C.
Other names: short protein forms V297L.
Identifiers: ClinVar variation 1361152 (VCV001361152.6), dbSNP rs1040600127, ClinGen allele CA45590167.

ClinVar aggregate classification (germline): Uncertain significance (1 of 4 stars; one submission).

Allele frequency attached by ClinVar (database versions not stated): gnomAD exomes below 0.00001 and 0.00002; gnomAD 0.00001; TOPMed 0.00001.
gnomAD v4.1: 11 of 1,614,024 alleles (0.00068%); highest among the groups gnomAD compares: Admixed American, 0.005%; no homozygotes.

Submission:

Labcorp Genetics (formerly Invitae), Labcorp
Classification: Uncertain significance. Last evaluated: 2021-08-24. Review status: criteria provided, single submitter. Criteria: Invitae Variant Classification Sherloc (09022015). Collection method: clinical testing. Allele origin: germline.
Comment: In summary, the available evidence is currently insufficient to determine the role of this variant in disease. Therefore, it has been classified as a Variant of Uncertain Significance. Algorithms developed to predict the effect of missense changes on protein structure and function output the following: SIFT: "Tolerated"; PolyPhen-2: "Benign"; Align-GVGD: "Class C0". The leucine amino acid residue is found in multiple mammalian species, which suggests that this missense change does not adversely affect protein function. This variant has not been reported in the literature in individuals affected with GALM-related conditions. This variant is not present in population databases (ExAC no frequency). This sequence change replaces valine with leucine at codon 297 of the GALM protein (p.Val297Leu). The valine residue is moderately conserved and there is a small physicochemical difference between valine and leucine.